The following is an entry in ClinVar:

NM_001104631.2(PDE4D):c.131G>C (p.Arg44Pro)

Gene: PDE4D (phosphodiesterase 4D; minus strand). Cytogenetic location: 5q12.1.
Variant type: single nucleotide variant.
Coding change: c.131G>C on transcript NM_001104631.2 (MANE Select); coding-DNA position 131, G replaced by C.
Protein change: p.Arg44Pro; replaces arginine 44 with proline.
Molecular consequence: missense variant. On other transcripts: intron variant (5).
Genome position (GRCh38, 1-based): chr5:59,893,492, C>G on the plus strand (G>C on the coding strand, the complement: PDE4D is on the minus strand). VCF-style: chr5-59893492-C-G. GRCh37 (hg19) VCF-style: chr5-59189319-C-G.
Other names: c.272+94996G>C (NM_001364599.1, NM_001165899.2, NM_001364600.2); c.-240+94996G>C (NM_001349243.2); c.242+94996G>C (NM_001349241.2); short protein forms R44P.
Identifiers: ClinVar variation 3002416 (VCV003002416.3), dbSNP rs1279095632, ClinGen allele CA359933017.

ClinVar aggregate classification (germline): Uncertain significance (1 of 4 stars; one submission).

Allele frequency attached by ClinVar (database versions not stated): TOPMed below 0.00001; gnomAD 0.00001.
gnomAD v4.1: 5 of 1,540,246 alleles (0.00032%); highest among the groups gnomAD compares: Admixed American, 0.01%; no homozygotes.

Submission:

Labcorp Genetics (formerly Invitae), Labcorp
Classification: Uncertain significance. Last evaluated: 2023-04-21. Review status: criteria provided, single submitter. Criteria: Invitae Variant Classification Sherloc (09022015). Collection method: clinical testing. Allele origin: germline.
Comment: This sequence change replaces arginine, which is basic and polar, with proline, which is neutral and non-polar, at codon 44 of the PDE4D protein (p.Arg44Pro). This variant is present in population databases (no rsID available, gnomAD 0.01%). In summary, the available evidence is currently insufficient to determine the role of this variant in disease. Therefore, it has been classified as a Variant of Uncertain Significance. An algorithm developed to predict the effect of missense changes on protein structure and function (PolyPhen-2) suggests that this variant is likely to be tolerated. This variant has not been reported in the literature in individuals affected with PDE4D-related conditions.